The following is an entry in ClinVar:

NM_001199267.2(DGKZ):c.162-955G>A

Gene: DGKZ (diacylglycerol kinase zeta; plus strand). Cytogenetic location: 11p11.2.
Variant type: single nucleotide variant.
Coding change: c.162-955G>A on transcript NM_001199267.2 (MANE Select); 955 bases into the intron before coding-DNA position 162, G replaced by A.
Molecular consequence: intron variant. On other transcripts: missense variant (1).
Genome position (GRCh38, 1-based): chr11:46,366,336, G>A. VCF-style: chr11-46366336-G-A. GRCh37 (hg19) VCF-style: chr11-46387886-G-A.
Other names: c.80G>A, p.Gly27Glu (NM_001105540.2); c.213-955G>A (NM_201532.3); c.177-955G>A (NM_201533.3); c.162-955G>A (NM_001199266.2, NM_003646.4, NM_001199268.2); short protein forms G27E.
Identifiers: ClinVar variation 3667735 (VCV003667735.2).

ClinVar aggregate classification (germline): Uncertain significance (1 of 4 stars; one submission).

gnomAD v4.1: 1 of 1,560,538 alleles (0.000064%); highest among the groups gnomAD compares: African/African-American, 0.0014%; no homozygotes.

Submission:

Labcorp Genetics (formerly Invitae), Labcorp
Classification: Uncertain significance. Last evaluated: 2024-10-21. Review status: criteria provided, single submitter. Criteria: Invitae Variant Classification Sherloc (09022015). Collection method: clinical testing. Allele origin: germline.
Comment: This sequence change replaces glycine, which is neutral and non-polar, with glutamic acid, which is acidic and polar, at codon 27 of the DGKZ protein (p.Gly27Glu). This variant is not present in population databases (gnomAD no frequency). This variant has not been reported in the literature in individuals affected with DGKZ-related conditions. An algorithm developed to predict the effect of missense changes on protein structure and function (PolyPhen-2) suggests that this variant is likely to be disruptive. In summary, the available evidence is currently insufficient to determine the role of this variant in disease. Therefore, it has been classified as a Variant of Uncertain Significance.